The following is an entry in ClinVar:

ClinVar aggregate classification (germline): Uncertain significance. Review status: criteria provided, multiple submitters, no conflicts (2 of 4 stars). 3 submissions from 3 submitters: Uncertain significance (3). Last evaluated 2025-11-13.

Conditions:
Hereditary cancer-predisposing syndrome. Also called: Neoplastic Syndromes, Hereditary; Tumor predisposition; Hereditary Cancer Syndrome; Hereditary neoplastic syndrome. Identifiers: Orphanet 140162, MedGen C0027672, MeSH D009386, MONDO:0015356.
Familial adenomatous polyposis 1 (FAP1). Also called: FAMILIAL ADENOMATOUS POLYPOSIS 1, ATTENUATED; POLYPOSIS, ADENOMATOUS INTESTINAL. Identifiers: MedGen C2713442, MONDO:0021056, OMIM 175100. Disease mechanism: loss of function.

Allele frequency attached by ClinVar (database versions not stated): TOPMed 0.00001.
gnomAD v4.1: 1 of 1,614,040 alleles (0.000062%); highest among the groups gnomAD compares: Non-Finnish European, 0.000085%; no homozygotes.

Submissions (3):

Labcorp Genetics (formerly Invitae), Labcorp
Classification: Uncertain significance for Familial adenomatous polyposis 1. Last evaluated: 2025-11-13. Review status: criteria provided, single submitter. Criteria: Invitae Variant Classification Sherloc (09022015). Collection method: clinical testing. Allele origin: germline.
Comment: This sequence change replaces lysine, which is basic and polar, with glutamine, which is neutral and polar, at codon 2214 of the APC protein (p.Lys2214Gln). This variant is not present in population databases (gnomAD no frequency). This variant has not been reported in the literature in individuals affected with APC-related conditions. ClinVar contains an entry for this variant (Variation ID: 482417). Invitae Evidence Modeling of protein sequence and biophysical properties (such as structural, functional, and spatial information, amino acid conservation, physicochemical variation, residue mobility, and thermodynamic stability) indicates that this missense variant is not expected to disrupt APC protein function with a negative predictive value of 95%. In summary, the available evidence is currently insufficient to determine the role of this variant in disease. Therefore, it has been classified as a Variant of Uncertain Significance.

Ambry Genetics
Classification: Uncertain significance for Hereditary cancer-predisposing syndrome. Last evaluated: 2024-06-17. Review status: criteria provided, single submitter. Criteria: Ambry Variant Classification Scheme 2023. Collection method: clinical testing. Allele origin: germline.
Comment: The p.K2214Q variant (also known as c.6640A>C), located in coding exon 15 of the APC gene, results from an A to C substitution at nucleotide position 6640. The lysine at codon 2214 is replaced by glutamine, an amino acid with similar properties. This amino acid position is well conserved in available vertebrate species. In addition, in silico predictors for this gene do not accurately predict pathogenicity. Since supporting evidence is limited at this time, the clinical significance of this alteration remains unclear.

Sema4
Classification: Uncertain significance for Hereditary cancer-predisposing syndrome. Last evaluated: 2021-10-04. Review status: criteria provided, single submitter. Criteria: Sema4 Curation Guidelines. Collection method: curation. Allele origin: germline.
Comment: The APC c.6640A>C (p.K2214Q) variant has not been reported in the literature to our knowledge. It was not observed in the large and broad cohorts of the Genome Aggregation Database (PMID: 32461654), but has been reported in ClinVar (Variation ID 482417). Functional studies have not been performed, and in silico predictions of the variant's effect on protein function are inconclusive. The evidence is insufficient to meet ACMG/AMP criteria for classifying the variant as benign or pathogenic. Thus, the clinical significance of this variant is currently uncertain.

NM_000038.6(APC):c.6640A>C (p.Lys2214Gln)

Gene: APC (APC regulator of Wnt signaling pathway; plus strand). Cytogenetic location: 5q22.2.
Variant type: single nucleotide variant.
Coding change: c.6640A>C on transcript NM_000038.6 (MANE Select); coding-DNA position 6640, A replaced by C.
Protein change: p.Lys2214Gln; replaces lysine 2214 with glutamine.
Molecular consequence: missense variant.
Genome position (GRCh38, 1-based): chr5:112,842,234, A>C. VCF-style: chr5-112842234-A-C. GRCh37 (hg19) VCF-style: chr5-112177931-A-C.
Other names: c.6640A>C, p.Lys2214Gln (NM_001127510.3, NM_001354895.2); c.6586A>C, p.Lys2196Gln (NM_001127511.3); c.6694A>C, p.Lys2232Gln (NM_001354896.2); c.6670A>C, p.Lys2224Gln (NM_001354897.2); c.6565A>C, p.Lys2189Gln (NM_001354898.2); c.6556A>C, p.Lys2186Gln (NM_001354899.2); c.6517A>C, p.Lys2173Gln (NM_001354900.2); c.6463A>C, p.Lys2155Gln (NM_001354901.2); and 5 more; short protein forms K2196Q, K2214Q, K2088Q, K2113Q, K2155Q, K2123Q, K2173Q, K2186Q.
Identifiers: ClinVar variation 482417 (VCV000482417.17), dbSNP rs1055951639, ClinGen allele CA16035854.